The following is an entry in ClinVar:

ClinVar aggregate classification (germline): Uncertain significance (1 of 4 stars; one submission).

Conditions:
Hereditary cancer-predisposing syndrome. Also called: Neoplastic Syndromes, Hereditary; Tumor predisposition; Hereditary Cancer Syndrome; Hereditary neoplastic syndrome. Identifiers: Orphanet 140162, MedGen C0027672, MeSH D009386, MONDO:0015356.

Submission:

Ambry Genetics
Classification: Uncertain significance for Hereditary cancer-predisposing syndrome. Last evaluated: 2025-12-28. Review status: criteria provided, single submitter. Criteria: Ambry Variant Classification Scheme 2023. Collection method: clinical testing. Allele origin: germline.
Comment: The p.P762S variant (also known as c.2284C>T), located in coding exon 14 of the DICER1 gene, results from a C to T substitution at nucleotide position 2284. The proline at codon 762 is replaced by serine, an amino acid with similar properties. This amino acid position is conserved. In addition, the in silico prediction for this alteration is inconclusive. Based on the available evidence, the clinical significance of this variant remains unclear.

NM_177438.3(DICER1):c.2284C>T (p.Pro762Ser)

Gene: DICER1 (dicer 1, ribonuclease III; minus strand). Cytogenetic location: 14q32.13.
Variant type: single nucleotide variant.
Coding change: c.2284C>T on transcript NM_177438.3 (MANE Select); coding-DNA position 2284, C replaced by T.
Protein change: p.Pro762Ser; replaces proline 762 with serine.
Molecular consequence: missense variant. On other transcripts: non-coding transcript variant (6).
Genome position (GRCh38, 1-based): chr14:95,108,476, G>A on the plus strand (C>T on the coding strand, the complement: DICER1 is on the minus strand). VCF-style: chr14-95108476-G-A. GRCh37 (hg19) VCF-style: chr14-95574813-G-A.
Other names: c.2284C>T, p.Pro762Ser (NM_001395679.1, NM_001395680.1, NM_001395682.1 and 12 more transcripts); c.1879C>T, p.Pro627Ser (NM_001395690.1, NM_001395687.1, NM_001395688.1 and 2 more transcripts); c.2002C>T, p.Pro668Ser (NM_001395686.1); c.1717C>T, p.Pro573Ser (NM_001395691.1); c.601C>T, p.Pro201Ser (NM_001395697.1); short protein forms P627S, P201S, P573S, P762S, P668S.
Identifiers: ClinVar variation 4843078 (VCV004843078.1).